The following is an entry in ClinVar:

ClinVar aggregate classification (germline): Uncertain significance. Review status: criteria provided, multiple submitters, no conflicts (2 of 4 stars). 3 submissions from 2 submitters: Uncertain significance (3). Last evaluated 2022-11-01.

Conditions:
Leber congenital amaurosis 14 (LCA14). Identifiers: MedGen C2750063, MONDO:0013231, OMIM 613341.
Retinitis pigmentosa (RP). Identifiers: Orphanet 791, MedGen C0035334, MeSH D012174, MONDO:0019200, OMIM 268000. Inheritance: Autosomal dominant, autosomal recessive and X linked inheritance.

Allele frequency attached by ClinVar (database versions not stated): gnomAD exomes 0.00001.
gnomAD v4.1: 9 of 1,614,166 alleles (0.00056%); highest among the groups gnomAD compares: Non-Finnish European, 0.00068%; no homozygotes.

Submissions (3):

Labcorp Genetics (formerly Invitae), Labcorp
Classification: Uncertain significance. Last evaluated: 2022-11-01. Review status: criteria provided, single submitter. Criteria: Invitae Variant Classification Sherloc (09022015). Collection method: clinical testing. Allele origin: germline.
Comment: This sequence change replaces isoleucine, which is neutral and non-polar, with valine, which is neutral and non-polar, at codon 122 of the LRAT protein (p.Ile122Val). This variant is not present in population databases (gnomAD no frequency). This variant has not been reported in the literature in individuals affected with LRAT-related conditions. ClinVar contains an entry for this variant (Variation ID: 900735). Algorithms developed to predict the effect of missense changes on protein structure and function output the following: SIFT: "Tolerated"; PolyPhen-2: "Benign"; Align-GVGD: "Class C0". The valine amino acid residue is found in multiple mammalian species, which suggests that this missense change does not adversely affect protein function. In summary, the available evidence is currently insufficient to determine the role of this variant in disease. Therefore, it has been classified as a Variant of Uncertain Significance.

Illumina Laboratory Services, Illumina
Classification: Uncertain significance for Leber congenital amaurosis 14. Last evaluated: 2018-01-12. Review status: criteria provided, single submitter. Criteria: ICSL Variant Classification Criteria 13 December 2019. Collection method: clinical testing. Allele origin: germline.

Illumina Laboratory Services, Illumina
Classification: Uncertain significance for Retinitis pigmentosa. Last evaluated: 2018-01-12. Review status: criteria provided, single submitter. Criteria: ICSL Variant Classification Criteria 13 December 2019. Collection method: clinical testing. Allele origin: germline.

NM_004744.5(LRAT):c.364A>G (p.Ile122Val)

Gene: LRAT (lecithin retinol acyltransferase; plus strand). Cytogenetic location: 4q32.1.
Variant type: single nucleotide variant.
Coding change: c.364A>G on transcript NM_004744.5 (MANE Select); coding-DNA position 364, A replaced by G.
Protein change: p.Ile122Val; replaces isoleucine 122 with valine.
Molecular consequence: missense variant.
Genome position (GRCh38, 1-based): chr4:154,744,690, A>G. VCF-style: chr4-154744690-A-G. GRCh37 (hg19) VCF-style: chr4-155665842-A-G.
Other names: c.364A>G, p.Ile122Val (NM_001301645.2); short protein forms I122V.
Identifiers: ClinVar variation 900735 (VCV000900735.9), dbSNP rs907805484, ClinGen allele CA108930218.
Genomic context (GRCh38, chr4:154,744,690, plus strand): 5'-ATTGTCAAAGTGGCCAGCATCCGCGTGGACACAGTGGAGGACTTCGCCTACGGAGCTAAC[A>G]TCCTGGTCAATCACCTGGACGAGTCCCTCCAGAAAAAGGCACTGCTCAACGAGGAGGTGG-3'
Protein context (NP_004735.2, residues 112-132): TVEDFAYGAN[Ile122Val]LVNHLDESLQ